The following is an entry in ClinVar:

ClinVar aggregate classification (germline): Conflicting classifications of pathogenicity. Review status: criteria provided, conflicting classifications (1 of 4 stars). 4 submissions from 4 submitters: Uncertain significance (3); Benign (1). Last evaluated 2025-01-23.

Conditions:
Primary ciliary dyskinesia. Also called: Ciliary dyskinesia. Identifiers: Orphanet 244, MedGen C0008780, MONDO:0016575, HP:0012265.

Allele frequency attached by ClinVar (database versions not stated): gnomAD 0.00003; TOPMed 0.00003; gnomAD exomes 0.00004; ExAC 0.00011; 1000 Genomes Project 30x 0.00016; 1000 Genomes Project 0.00020.
gnomAD v4.1: 63 of 1,587,614 alleles (0.004%); highest among the groups gnomAD compares: Non-Finnish European, 0.0045%; no homozygotes.

Submissions (4):

Labcorp Genetics (formerly Invitae), Labcorp
Classification: Benign for Primary ciliary dyskinesia. Last evaluated: 2025-01-23. Review status: criteria provided, single submitter. Criteria: Invitae Variant Classification Sherloc (09022015). Collection method: clinical testing. Allele origin: germline.

Ambry Genetics
Classification: Uncertain significance for Primary ciliary dyskinesia. Last evaluated: 2023-09-15. Review status: criteria provided, single submitter. Criteria: Ambry Variant Classification Scheme 2023. Collection method: clinical testing. Allele origin: germline.
Comment: The p.V2484I variant (also known as c.7450G>A), located in coding exon 46 of the DNAH11 gene, results from a G to A substitution at nucleotide position 7450. The valine at codon 2484 is replaced by isoleucine, an amino acid with highly similar properties. This amino acid position is conserved. In addition, this alteration is predicted to be tolerated by in silico analysis. Since supporting evidence is limited at this time, the clinical significance of this alteration remains unclear.

Blueprint Genetics
Classification: Uncertain significance. Last evaluated: 2023-07-17. Review status: criteria provided, single submitter. Criteria: ACMG Guidelines, 2015. Collection method: clinical testing. Allele origin: germline.

CeGaT Center for Human Genetics Tuebingen
Classification: Uncertain significance. Last evaluated: 2023-02-01. Review status: criteria provided, single submitter. Criteria: CeGaT Center For Human Genetics Tuebingen Variant Classification Criteria Version 2. Collection method: clinical testing. Allele origin: germline. Affected: yes. Observed: 1 variant allele.
Comment: DNAH11: PM2, BP1, BP4

NM_001277115.2(DNAH11):c.7450G>A (p.Val2484Ile)

Gene: DNAH11 (dynein axonemal heavy chain 11; plus strand). Cytogenetic location: 7p15.3.
Variant type: single nucleotide variant.
Coding change: c.7450G>A on transcript NM_001277115.2 (MANE Select); coding-DNA position 7450, G replaced by A.
Protein change: p.Val2484Ile; replaces valine 2484 with isoleucine.
Molecular consequence: missense variant.
Genome position (GRCh38, 1-based): chr7:21,735,649, G>A. VCF-style: chr7-21735649-G-A. GRCh37 (hg19) VCF-style: chr7-21775267-G-A.
Other names: c.7450G>A (NM_001277115.1); c.7471G>A, p.Val2491Ile (NM_003777.3); short protein forms V2491I, V2484I.
Identifiers: ClinVar variation 2050871 (VCV002050871.30), dbSNP rs572118148, ClinGen allele CA4181234.
Genomic context (GRCh38, chr7:21,735,649, plus strand): 5'-CGCACTCTCTCTCTCTTTCTGATCTTTGTCTCATTCTGTTTCTCCTCCCAGACAGTTCTC[G>A]TTCACACAACAGAGACAGCTCGTCTTAGATATTTCATGGAGTTGTTGCTTGAGAAAGGAA-3'
Protein context (NP_001264044.1, residues 2474-2494): DPDVPLQTVL[Val2484Ile]HTTETARLRY